The following is an entry in ClinVar:

ClinVar aggregate classification (germline): Likely benign (1 of 4 stars; one submission).

Allele frequency attached by ClinVar (database versions not stated): ESP Exome Variant Server 0.00008; TOPMed 0.00012; gnomAD 0.00013; gnomAD exomes 0.00017; ExAC 0.00022.
gnomAD v4.1: 276 of 1,608,166 alleles (0.017%); highest among the groups gnomAD compares: Middle Eastern, 0.58%; 3 homozygotes.

Submission:

CeGaT Center for Human Genetics Tuebingen
Classification: Likely benign. Last evaluated: 2022-04-01. Review status: criteria provided, single submitter. Criteria: CeGaT Center For Human Genetics Tuebingen Variant Classification Criteria Version 2. Collection method: clinical testing. Allele origin: germline. Affected: yes. Observed: 1 variant allele.
Comment: LRP3: BP4, BP7

NM_002333.4(LRP3):c.1371C>T (p.Pro457=)

Gene: LRP3 (LDL receptor related protein 3; plus strand). Cytogenetic location: 19q13.11.
Variant type: single nucleotide variant.
Coding change: c.1371C>T on transcript NM_002333.4 (MANE Select); coding-DNA position 1371, C replaced by T.
Protein change: p.Pro457=; no amino-acid change (proline 457 retained).
Molecular consequence: synonymous variant.
Genome position (GRCh38, 1-based): chr19:33,206,141, C>T. VCF-style: chr19-33206141-C-T. GRCh37 (hg19) VCF-style: chr19-33697047-C-T.
Identifiers: ClinVar variation 2649695 (VCV002649695.24), dbSNP rs368391236, ClinGen allele CA9362744.